The following is an entry in ClinVar:

NM_014014.5(SNRNP200):c.1671+4A>G

Gene: SNRNP200 (small nuclear ribonucleoprotein U5 subunit 200; minus strand). Cytogenetic location: 2q11.2.
Variant type: single nucleotide variant.
Coding change: c.1671+4A>G on transcript NM_014014.5 (MANE Select); 4 bases into the intron after coding-DNA position 1671, A replaced by G.
Molecular consequence: intron variant.
Genome position (GRCh38, 1-based): chr2:96,296,532, T>C on the plus strand (A>G on the coding strand, the complement: SNRNP200 is on the minus strand). VCF-style: chr2-96296532-T-C. GRCh37 (hg19) VCF-style: chr2-96962270-T-C.
Identifiers: ClinVar variation 863184 (VCV000863184.3), dbSNP rs2063918171, ClinGen allele CA916082546.

ClinVar aggregate classification (germline): Uncertain significance (1 of 4 stars; one submission).

Submission:

Labcorp Genetics (formerly Invitae), Labcorp
Classification: Uncertain significance. Last evaluated: 2019-11-18. Review status: criteria provided, single submitter. Criteria: Invitae Variant Classification Sherloc (09022015). Collection method: clinical testing. Allele origin: germline.
Comment: This sequence change falls in intron 13 of the SNRNP200 gene. It does not directly change the encoded amino acid sequence of the SNRNP200 protein, but it affects a nucleotide within the consensus splice site of the intron. This variant is not present in population databases (ExAC no frequency). This variant has not been reported in the literature in individuals with SNRNP200-related conditions. Nucleotide substitutions within the consensus splice site are a relatively common cause of aberrant splicing (PMID: 17576681, 9536098). Algorithms developed to predict the effect of sequence changes on RNA splicing suggest that this variant may disrupt the consensus splice site, but this prediction has not been confirmed by published transcriptional studies. In summary, the available evidence is currently insufficient to determine the role of this variant in disease. Therefore, it has been classified as a Variant of Uncertain Significance.

Literature cited by the submitters: PubMed 17576681; PubMed 9536098.